The following is an entry in ClinVar:

NM_016507.4(CDK12):c.4444G>T (p.Gly1482Trp)

Gene: CDK12 (cyclin dependent kinase 12; plus strand). Cytogenetic location: 17q12.
Variant type: single nucleotide variant.
Coding change: c.4444G>T on transcript NM_016507.4 (MANE Select); coding-DNA position 4444, G replaced by T.
Protein change: p.Gly1482Trp; replaces glycine 1482 with tryptophan.
Molecular consequence: missense variant.
Genome position (GRCh38, 1-based): chr17:39,531,287, G>T. VCF-style: chr17-39531287-G-T. GRCh37 (hg19) VCF-style: chr17-37687540-G-T.
Other names: c.4417G>T, p.Gly1473Trp (NM_015083.4); short protein forms G1482W, G1473W.
Identifiers: ClinVar variation 3999245 (VCV003999245.1).

ClinVar aggregate classification (germline): Uncertain significance (1 of 4 stars; one submission).

gnomAD v4.1: 2 of 1,495,046 alleles (0.00013%); highest among the groups gnomAD compares: East Asian, 0.0023%; no homozygotes.

Submission:

Ambry Genetics
Classification: Uncertain significance. Last evaluated: 2025-03-20. Review status: criteria provided, single submitter. Criteria: Ambry Variant Classification Scheme 2023. Collection method: clinical testing. Allele origin: germline.
Comment: The p.G1482W variant (also known as c.4444G>T), located in coding exon 14 of the CDK12 gene, results from a G to T substitution at nucleotide position 4444. The glycine at codon 1482 is replaced by tryptophan, an amino acid with highly dissimilar properties. This amino acid position is conserved. In addition, the in silico prediction for this alteration is inconclusive. Based on the available evidence, the clinical significance of this variant remains unclear.